The following is an entry in ClinVar:

NM_000466.3(PEX1):c.1571A>G (p.Gln524Arg)

Gene: PEX1 (peroxisomal biogenesis factor 1; minus strand). Cytogenetic location: 7q21.2.
Variant type: single nucleotide variant.
Coding change: c.1571A>G on transcript NM_000466.3 (MANE Select); coding-DNA position 1571, A replaced by G.
Protein change: p.Gln524Arg; replaces glutamine 524 with arginine.
Molecular consequence: missense variant.
Genome position (GRCh38, 1-based): chr7:92,510,960, T>C on the plus strand (A>G on the coding strand, the complement: PEX1 is on the minus strand). VCF-style: chr7-92510960-T-C. GRCh37 (hg19) VCF-style: chr7-92140274-T-C.
Other names: c.1571A>G, p.Gln524Arg (NM_001282677.2); c.947A>G, p.Gln316Arg (NM_001282678.2); short protein forms Q316R, Q524R.
Identifiers: ClinVar variation 4705111 (VCV004705111.1).

ClinVar aggregate classification (germline): Uncertain significance (1 of 4 stars; one submission).

Conditions:
Zellweger spectrum disorders (ZS). Also called: Zellweger Spectrum Disorder (ZSD); Zellweger Spectrum Disorder; Zellweger Spectrum; Zellweger syndrome. Identifiers: Orphanet 912, MedGen C0043459, MONDO:0019609.

gnomAD v4.1: 4 of 1,522,352 alleles (0.00026%); highest among the groups gnomAD compares: Admixed American, 0.0033%; no homozygotes.

Submission:

Labcorp Genetics (formerly Invitae), Labcorp
Classification: Uncertain significance for Zellweger spectrum disorders. Last evaluated: 2025-12-20. Review status: criteria provided, single submitter. Criteria: Invitae Variant Classification Sherloc (09022015). Collection method: clinical testing. Allele origin: germline.
Comment: This sequence change replaces glutamine, which is neutral and polar, with arginine, which is basic and polar, at codon 524 of the PEX1 protein (p.Gln524Arg). This variant is present in population databases (no rsID available, gnomAD 0.1%). This variant has not been reported in the literature in individuals affected with PEX1-related conditions. Invitae Evidence Modeling of protein sequence and biophysical properties (such as structural, functional, and spatial information, amino acid conservation, physicochemical variation, residue mobility, and thermodynamic stability) indicates that this missense variant is not expected to disrupt PEX1 protein function with a negative predictive value of 95%. In summary, the available evidence is currently insufficient to determine the role of this variant in disease. Therefore, it has been classified as a Variant of Uncertain Significance.